The following is an entry in ClinVar:

NC_012920.1(MT-CYB):m.15581A>G

Gene: MT-CYB (mitochondrially encoded cytochrome b; plus strand).
Variant type: single nucleotide variant.
Genome position: chrM-15581-A-G.
Identifiers: ClinVar variation 693909 (VCV000693909.1), dbSNP rs1603225359, ClinGen allele CA913174268.
Genomic context (GRCh38, chrMT:15,581, plus strand): 5'-GCCAACCCCTTAAACACCCCTCCCCACATCAAGCCCGAATGATATTTCCTATTCGCCTAC[A>G]CAATTCTCCGATCCGTCCCTAACAAACTAGGAGGCGTCCTTGCCCTATTACTATCCATCC-3'

ClinVar aggregate classification (germline): Uncertain significance (1 of 4 stars; one submission).

Conditions:
Leigh syndrome (NULS). Also called: Leigh's necrotizing encephalopathy; Leigh's disease; Leigh's syndrome; LEIGH SYNDROME, NUCLEAR; Leigh Syndrome (mtDNA deletion); Leigh Disease. Identifiers: Orphanet 506, MedGen C2931891, MONDO:0009723, OMIM 256000.

Submission:

Wong Mito Lab, Molecular and Human Genetics, Baylor College of Medicine
Classification: Uncertain significance for Leigh syndrome. Last evaluated: 2019-10-17. Review status: criteria provided, single submitter. Criteria: Modified ACMG Guidelines (Unpublished). Collection method: clinical testing. Allele origin: germline.
Comment: The NC_012920.1:m.15581A>G (YP_003024038.1:p.Thr279Ala) variant in MTCYB gene is interpretated to be a Uncertain Significance variant based on the modified ACMG guidelines (unpublished). This variant meets the following evidence codes: PP7, BP4